The following is an entry in ClinVar:

NM_001164508.2(NEB):c.20775del (p.Asp6925fs)

Gene: NEB (nebulin; minus strand). Cytogenetic location: 2q23.3.
Variant type: Deletion.
Coding change: c.20775del on transcript NM_001164508.2 (MANE Select); coding-DNA position 20775, one base deleted (C; older notation c.20775delC).
Protein change: p.Asp6925fs; shifts the reading frame from aspartic acid 6925.
Molecular consequence: frameshift variant.
Genome position (GRCh38, 1-based): chr2:151,540,709, G deleted on the plus strand (C on the coding strand, the reverse complement: NEB is on the minus strand). VCF-style (leftmost placement, unchanged base first): chr2-151540708-TG-T. GRCh37 (hg19) VCF-style: chr2-152397222-TG-T.
Other names: c.20775del, p.Asp6925fs (NM_001164507.2, NM_001271208.2); c.15672del, p.Asp5224fs (NM_004543.5); short protein forms D5224fs, D6925fs.
Identifiers: ClinVar variation 5014680 (VCV005014680.1).

ClinVar aggregate classification (germline): Pathogenic (1 of 4 stars; one submission).

Conditions:
Nemaline myopathy 2 (NEM2). Also called: Nemaline myopathy 2, autosomal recessive. Identifiers: MedGen C1850569, MONDO:0009725, OMIM 256030.

Submission:

Myriad Genetics, Inc.
Classification: Pathogenic for Nemaline myopathy 2. Last evaluated: 2025-07-03. Review status: criteria provided, single submitter. Criteria: Myriad Autosomal Dominant, Autosomal Recessive and X-Linked Classification Criteria (2023). Collection method: clinical testing. Allele origin: unknown.
Comment: NM_001271208.1(NEB):c.20775delC(D6925Efs*15) is expected to be pathogenic in the context of NEB-related nemaline myopathy. This variant is predicted to lead to an abnormal or absent protein product due to the creation of a premature termination codon in NEB, a gene where loss-of-function variants are known to be pathogenic. Please note: this variant was assessed in the context of healthy population screening.